The following is an entry in ClinVar:

NM_201253.3(CRB1):c.1042T>C (p.Cys348Arg)

Gene: CRB1 (crumbs cell polarity complex component 1; plus strand). Cytogenetic location: 1q31.3.
Variant type: single nucleotide variant.
Coding change: c.1042T>C on transcript NM_201253.3 (MANE Select); coding-DNA position 1042, T replaced by C.
Protein change: p.Cys348Arg; replaces cysteine 348 with arginine.
Molecular consequence: missense variant. On other transcripts: non-coding transcript variant (2).
Genome position (GRCh38, 1-based): chr1:197,356,884, T>C. VCF-style: chr1-197356884-T-C. GRCh37 (hg19) VCF-style: chr1-197326014-T-C.
Other names: c.706T>C, p.Cys236Arg (NM_001193640.2); c.835T>C, p.Cys279Arg (NM_001257965.2); c.1042T>C, p.Cys348Arg (NM_001257966.2); short protein forms C348R, C236R, C279R.
Identifiers: ClinVar variation 1499463 (VCV001499463.8), dbSNP rs2125354412, ClinGen allele CA344084414.

ClinVar aggregate classification (germline): Uncertain significance. Review status: criteria provided, multiple submitters, no conflicts (2 of 4 stars). 3 submissions from 3 submitters: Uncertain significance (3). Last evaluated 2025-05-13.

Conditions:
Retinitis pigmentosa 12 (RP12). Also called: RP WITH OR WITHOUT PPRPE; RP WITH OR WITHOUT PRESERVED PARAARTERIOLE RETINAL PIGMENT EPITHELIUM; RETINITIS PIGMENTOSA WITH OR WITHOUT PARAARTERIOLAR PRESERVATION OF RETINAL PIGMENT EPITHELIUM. Identifiers: Orphanet 791, MedGen C1838647, MONDO:0010818, OMIM 600105.
Leber congenital amaurosis 8 (LCA8). Identifiers: Orphanet 65, MedGen C3151202, MONDO:0013453, OMIM 613835.
Retinal dystrophy. Also called: Inherited retinal dystrophy. Identifiers: Orphanet 71862, MedGen C0854723, MeSH D058499, MONDO:0019118, HP:0000556.

Submissions (3):

3billion
Classification: Uncertain significance for Retinitis pigmentosa 12. Last evaluated: 2025-05-13. Review status: criteria provided, single submitter. Criteria: ACMG Guidelines, 2015. Collection method: clinical testing. Allele origin: germline. Affected: yes.
Comment: The variant is not observed in the gnomAD v4.1.0 dataset. Predicted Consequence/Location: Missense variant In silico tool predictions suggest damaging effect of the variant on gene or gene product [REVEL: 0.93 (>=0.6, sensitivity 0.68 and specificity 0.92)]. A different missense change at the same codon (p.Cys348Tyr) has been reported to be associated with CRB1-related disorder (ClinVar ID: VCV000265984). However the evidence of pathogenicity is insufficient at this time. Therefore, this variant is classified as VUS according to the recommendation of ACMG/AMP guideline.

Dept Of Ophthalmology, Nagoya University
Classification: Uncertain significance for Retinal dystrophy. Last evaluated: 2023-10-01. Review status: criteria provided, single submitter. Criteria: Submitter's publication. Collection method: research. Allele origin: germline. Affected: yes.

Labcorp Genetics (formerly Invitae), Labcorp
Classification: Uncertain significance for Leber congenital amaurosis 8; Retinitis pigmentosa 12. Last evaluated: 2021-10-25. Review status: criteria provided, single submitter. Criteria: Invitae Variant Classification Sherloc (09022015). Collection method: clinical testing. Allele origin: germline.
Comment: This sequence change replaces cysteine, which is neutral and slightly polar, with arginine, which is basic and polar, at codon 348 of the CRB1 protein (p.Cys348Arg). This variant is not present in population databases (gnomAD no frequency). This variant has not been reported in the literature in individuals affected with CRB1-related conditions. Advanced modeling of protein sequence and biophysical properties (such as structural, functional, and spatial information, amino acid conservation, physicochemical variation, residue mobility, and thermodynamic stability) performed at Invitae indicates that this missense variant is expected to disrupt CRB1 protein function. In summary, the available evidence is currently insufficient to determine the role of this variant in disease. Therefore, it has been classified as a Variant of Uncertain Significance.